The following is an entry in ClinVar:

ClinVar aggregate classification (germline): Uncertain significance (1 of 4 stars; one submission).

Submission:

GeneDx
Classification: Uncertain significance. Last evaluated: 2021-06-17. Review status: criteria provided, single submitter. Criteria: GeneDx Variant Classification Process June 2021. Collection method: clinical testing. Allele origin: germline. Affected: yes.
Comment: Not observed at significant frequency in large population cohorts (Lek et al., 2016); In silico analysis supports that this missense variant has a deleterious effect on protein structure/function; Has not been previously published as pathogenic or benign to our knowledge; This variant is associated with the following publications: (PMID: 20681998, 22473935, 27535533)

NM_000540.3(RYR1):c.11698A>T (p.Asn3900Tyr)

Gene: RYR1 (ryanodine receptor 1; plus strand). Cytogenetic location: 19q13.2.
Variant type: single nucleotide variant.
Coding change: c.11698A>T on transcript NM_000540.3 (MANE Select); coding-DNA position 11698, A replaced by T.
Protein change: p.Asn3900Tyr; replaces asparagine 3900 with tyrosine.
Molecular consequence: missense variant.
Genome position (GRCh38, 1-based): chr19:38,543,355, A>T. VCF-style: chr19-38543355-A-T. GRCh37 (hg19) VCF-style: chr19-39033995-A-T.
Other names: c.11683A>T, p.Asn3895Tyr (NM_001042723.2); short protein forms N3895Y, N3900Y.
Identifiers: ClinVar variation 1328673 (VCV001328673.2), dbSNP rs2145774604, ClinGen allele CA405661099.
Genomic context (GRCh38, chr19:38,543,355, plus strand): 5'-ATCTCCCCTAGCACATGGGAGGTGCTGGATAAATGACTTTTCATCTCCCCAGATTTCCAG[A>T]ACTACCTACGGACACAGACAGGGAACACGACCACTATTAACATCATCATTTGCACTGTGG-3'
Protein context (NP_000531.2, residues 3890-3910): LCEGHNNDFQ[Asn3900Tyr]YLRTQTGNTT